The following is an entry in ClinVar:

NM_000179.3(MSH6):c.1187T>C (p.Leu396Pro)

Gene: MSH6 (mutS homolog 6; plus strand). Cytogenetic location: 2p16.3.
Variant type: single nucleotide variant.
Coding change: c.1187T>C on transcript NM_000179.3 (MANE Select); coding-DNA position 1187, T replaced by C.
Protein change: p.Leu396Pro; replaces leucine 396 with proline.
Molecular consequence: missense variant.
Genome position (GRCh38, 1-based): chr2:47,799,170, T>C. VCF-style: chr2-47799170-T-C. GRCh37 (hg19) VCF-style: chr2-48026309-T-C.
Other names: c.797T>C, p.Leu266Pro (NM_001281492.2); c.281T>C, p.Leu94Pro (NM_001281493.2, NM_001281494.2, NM_001406811.1 and 6 more transcripts); c.1283T>C, p.Leu428Pro (NM_001406795.1, NM_001406802.1); c.1187T>C, p.Leu396Pro (NM_001406796.1, NM_001406798.1, NM_001406800.1 and 4 more transcripts); c.890T>C, p.Leu297Pro (NM_001406797.1, NM_001406801.1, NM_001406805.1 and 10 more transcripts); c.662T>C, p.Leu221Pro (NM_001406799.1, NM_001406806.1, NM_001406807.1); c.1109T>C, p.Leu370Pro (NM_001406804.1); c.1193T>C, p.Leu398Pro (NM_001406813.1); and 1 more; short protein forms L221P, L297P, L370P, L94P, L266P, L396P, L340P, L428P.
Identifiers: ClinVar variation 1743850 (VCV001743850.2), dbSNP rs2530595675, ClinGen allele CA346742405.

ClinVar aggregate classification (germline): Uncertain significance (1 of 4 stars; one submission).

Conditions:
Hereditary cancer-predisposing syndrome. Also called: Hereditary Cancer Syndrome; Neoplastic Syndromes, Hereditary; Tumor predisposition; Hereditary neoplastic syndrome. Identifiers: Orphanet 140162, MedGen C0027672, MeSH D009386, MONDO:0015356.

Submission:

Ambry Genetics
Classification: Uncertain significance for Hereditary cancer-predisposing syndrome. Last evaluated: 2022-09-15. Review status: criteria provided, single submitter. Criteria: Ambry Variant Classification Scheme 2023. Collection method: clinical testing. Allele origin: germline.
Comment: The p.L396P variant (also known as c.1187T>C), located in coding exon 4 of the MSH6 gene, results from a T to C substitution at nucleotide position 1187. The leucine at codon 396 is replaced by proline, an amino acid with similar properties. This amino acid position is well conserved in available vertebrate species. In addition, this alteration is predicted to be deleterious by in silico analysis. Since supporting evidence is limited at this time, the clinical significance of this alteration remains unclear.